The following is an entry in ClinVar:

NM_031844.3(HNRNPU):c.581T>G (p.Phe194Cys)

Gene: HNRNPU (heterogeneous nuclear ribonucleoprotein U; minus strand). Cytogenetic location: 1q44.
Variant type: single nucleotide variant.
Coding change: c.581T>G on transcript NM_031844.3 (MANE Select); coding-DNA position 581, T replaced by G.
Protein change: p.Phe194Cys; replaces phenylalanine 194 with cysteine.
Molecular consequence: missense variant.
Genome position (GRCh38, 1-based): chr1:244,863,727, A>C on the plus strand (T>G on the coding strand, the complement: HNRNPU is on the minus strand). VCF-style: chr1-244863727-A-C. GRCh37 (hg19) VCF-style: chr1-245027029-A-C.
Other names: c.581T>G, p.Phe194Cys (NM_004501.3); short protein forms F194C.
Identifiers: ClinVar variation 3657728 (VCV003657728.2).

ClinVar aggregate classification (germline): Uncertain significance (1 of 4 stars; one submission).

Conditions:
Developmental and epileptic encephalopathy, 54. Also called: Epileptic encephalopathy, early infantile, 54; HNRNPU-Related Neurodevelopmental Disorder. Identifiers: MedGen C4479319, MONDO:0033363, OMIM 617391.

gnomAD v4.1: 1 of 1,566,438 alleles (0.000064%); highest among the groups gnomAD compares: Non-Finnish European, 0.000086%; no homozygotes.

Submission:

Labcorp Genetics (formerly Invitae), Labcorp
Classification: Uncertain significance for Developmental and epileptic encephalopathy, 54. Last evaluated: 2024-06-25. Review status: criteria provided, single submitter. Criteria: Invitae Variant Classification Sherloc (09022015). Collection method: clinical testing. Allele origin: germline.
Comment: This sequence change replaces phenylalanine, which is neutral and non-polar, with cysteine, which is neutral and slightly polar, at codon 194 of the HNRNPU protein (p.Phe194Cys). This variant is not present in population databases (gnomAD no frequency). This variant has not been reported in the literature in individuals affected with HNRNPU-related conditions. Advanced modeling of protein sequence and biophysical properties (such as structural, functional, and spatial information, amino acid conservation, physicochemical variation, residue mobility, and thermodynamic stability) performed at Invitae indicates that this missense variant is not expected to disrupt HNRNPU protein function with a negative predictive value of 80%. In summary, the available evidence is currently insufficient to determine the role of this variant in disease. Therefore, it has been classified as a Variant of Uncertain Significance.